The following is an entry in ClinVar:

NM_033026.6(PCLO):c.4314_4316del (p.His1439del)

Gene: PCLO (piccolo presynaptic cytomatrix protein; minus strand). Cytogenetic location: 7q21.11.
Variant type: Deletion.
Coding change: c.4314_4316del on transcript NM_033026.6 (MANE Select); coding-DNA positions 4314 to 4316, 3 bases deleted (CCA; older notation c.4314_4316delCCA).
Protein change: p.His1439del; deletes histidine 1439.
Molecular consequence: inframe deletion.
Genome position (GRCh38, 1-based): chr7:82,956,637-82,956,639, TGG deleted on the plus strand (CCA on the coding strand, the reverse complement: PCLO is on the minus strand). VCF-style (leftmost placement, unchanged base first): chr7-82956636-ATGG-A. GRCh37 (hg19) VCF-style: chr7-82585952-ATGG-A.
Other names: c.4314_4316del, p.His1439del (NM_014510.3); short protein forms H1439del.
Identifiers: ClinVar variation 2073876 (VCV002073876.3), dbSNP rs766865568, ClinGen allele CA4320851.

ClinVar aggregate classification (germline): Uncertain significance (1 of 4 stars; one submission).

Allele frequency attached by ClinVar (database versions not stated): gnomAD 0.00001; gnomAD exomes 0.00001; TOPMed 0.00002; ExAC 0.00009.

Submission:

Labcorp Genetics (formerly Invitae), Labcorp
Classification: Uncertain significance. Last evaluated: 2022-06-04. Review status: criteria provided, single submitter. Criteria: Invitae Variant Classification Sherloc (09022015). Collection method: clinical testing. Allele origin: germline.
Comment: This variant has not been reported in the literature in individuals affected with PCLO-related conditions. In summary, the available evidence is currently insufficient to determine the role of this variant in disease. Therefore, it has been classified as a Variant of Uncertain Significance. Experimental studies and prediction algorithms are not available or were not evaluated, and the functional significance of this variant is currently unknown. This variant is present in population databases (rs766865568, gnomAD 0.1%). This variant, c.4314_4316del, results in the deletion of 1 amino acid(s) of the PCLO protein (p.His1439del), but otherwise preserves the integrity of the reading frame.